The following is an entry in ClinVar:

ClinVar aggregate classification (germline): Likely benign (0 of 4 stars; one submission).

Conditions:
KSR2-related disorder. Also called: KSR2-related condition.

Submission:

PreventionGenetics, part of Exact Sciences
Classification: Likely benign for KSR2-related condition. Last evaluated: 2020-03-27. Review status: no assertion criteria provided. Collection method: clinical testing. Allele origin: germline.
Comment: This variant is classified as likely benign based on ACMG/AMP sequence variant interpretation guidelines (Richards et al. 2015 PMID: 25741868, with internal and published modifications).

NM_173598.6(KSR2):c.567G>A (p.Pro189=)

Gene: KSR2 (kinase suppressor of ras 2; minus strand). Cytogenetic location: 12q24.23.
Variant type: single nucleotide variant.
Coding change: c.567G>A on transcript NM_173598.6 (MANE Select); coding-DNA position 567, G replaced by A.
Protein change: p.Pro189=; no amino-acid change (proline 189 retained).
Molecular consequence: synonymous variant.
Genome position (GRCh38, 1-based): chr12:117,761,430, C>T on the plus strand (G>A on the coding strand, the complement: KSR2 is on the minus strand). VCF-style: chr12-117761430-C-T. GRCh37 (hg19) VCF-style: chr12-118199235-C-T.
Identifiers: ClinVar variation 3350431 (VCV003350431.1).
Genomic context (GRCh38, chr12:117,761,430, plus strand): 5'-ATAGTGCTGGACGCACTTGGACGGGACCCTGGGGCTCTGGGAGAGATGGGTGCGGATCCA[C>T]GGGGTGGGCTCCGGGGGGCACACGGGATTGTTCTCCTTCCCCGTCTCTGTCGTGGGCCAC-3'
Protein context (NP_775869.4, residues 179-199): NNPVCPPEPT[Pro189=]WIRTHLSQSP